The following is an entry in ClinVar:

NM_020779.4(WDR35):c.1871T>G (p.Ile624Ser)

Gene: WDR35 (WD repeat domain 35; minus strand). Cytogenetic location: 2p24.1.
Variant type: single nucleotide variant.
Coding change: c.1871T>G on transcript NM_020779.4 (MANE Select); coding-DNA position 1871, T replaced by G.
Protein change: p.Ile624Ser; replaces isoleucine 624 with serine.
Molecular consequence: missense variant.
Genome position (GRCh38, 1-based): chr2:19,941,814, A>C on the plus strand (T>G on the coding strand, the complement: WDR35 is on the minus strand). VCF-style: chr2-19941814-A-C. GRCh37 (hg19) VCF-style: chr2-20141575-A-C.
Other names: c.1904T>G, p.Ile635Ser (NM_001006657.2); short protein forms I635S, I624S.
Identifiers: ClinVar variation 333388 (VCV000333388.8), dbSNP rs139252416, ClinGen allele CA1543094.
Genomic context (GRCh38, chr2:19,941,814, plus strand): 5'-ATTACCTTTAATATCTCATCCAAAAGAACAGATTTAATTTCTAAATCCTCAAAATTACAA[A>C]TATATCCAGAGGTCTGAATGGGTTCCTTTAAAGACAAAAAAAAAGTTATGTTTCATTATG-3'
Protein context (NP_065830.2, residues 614-634): PEEPIQTSGY[Ile624Ser]CNFEDLEIKS

ClinVar aggregate classification (germline): Uncertain significance. Review status: criteria provided, multiple submitters, no conflicts (2 of 4 stars). 4 submissions from 3 submitters: Uncertain significance (4). Last evaluated 2024-01-24.

Conditions:
Short-rib thoracic dysplasia 7 with or without polydactyly (SRTD7). Also called: Short rib polydactyly syndrome 5; SHORT-RIB THORACIC DYSPLASIA 7 WITH POLYDACTYLY. Identifiers: Orphanet 498497, Orphanet 93271, MedGen C3279792, MONDO:0013569, OMIM 614091.
Cranioectodermal dysplasia 2 (CED2). Identifiers: Orphanet 1515, MedGen C3150874, MONDO:0013323, OMIM 613610.

Allele frequency attached by ClinVar (database versions not stated): TOPMed below 0.00001; gnomAD 0.00001; gnomAD exomes 0.00004 and 0.00008; ESP Exome Variant Server 0.00015; 1000 Genomes Project 30x 0.00016; 1000 Genomes Project 0.00020; ExAC 0.00022.
gnomAD v4.1: 62 of 1,574,206 alleles (0.0039%); highest among the groups gnomAD compares: South Asian, 0.048%; no homozygotes.

Submissions (4):

Labcorp Genetics (formerly Invitae), Labcorp
Classification: Uncertain significance for Cranioectodermal dysplasia 2; Short-rib thoracic dysplasia 7 with or without polydactyly. Last evaluated: 2024-01-24. Review status: criteria provided, single submitter. Criteria: Invitae Variant Classification Sherloc (09022015). Collection method: clinical testing. Allele origin: germline.
Comment: This sequence change replaces isoleucine, which is neutral and non-polar, with serine, which is neutral and polar, at codon 635 of the WDR35 protein (p.Ile635Ser). This variant is present in population databases (rs139252416, gnomAD 0.05%). This variant has not been reported in the literature in individuals affected with WDR35-related conditions. ClinVar contains an entry for this variant (Variation ID: 333388). Advanced modeling of protein sequence and biophysical properties (such as structural, functional, and spatial information, amino acid conservation, physicochemical variation, residue mobility, and thermodynamic stability) performed at Invitae indicates that this missense variant is expected to disrupt WDR35 protein function with a positive predictive value of 80%. In summary, the available evidence is currently insufficient to determine the role of this variant in disease. Therefore, it has been classified as a Variant of Uncertain Significance.

Illumina Laboratory Services, Illumina
Classification: Uncertain significance for Short-rib thoracic dysplasia 7 with or without polydactyly. Last evaluated: 2018-01-12. Review status: criteria provided, single submitter. Criteria: ICSL Variant Classification Criteria 13 December 2019. Collection method: clinical testing. Allele origin: germline.

Illumina Laboratory Services, Illumina
Classification: Uncertain significance for Cranioectodermal dysplasia 2. Last evaluated: 2018-01-12. Review status: criteria provided, single submitter. Criteria: ICSL Variant Classification Criteria 13 December 2019. Collection method: clinical testing. Allele origin: germline.

GeneDx
Classification: Uncertain significance. Last evaluated: 2017-03-08. Review status: criteria provided, single submitter. Criteria: GeneDx Variant Classification (06012015). Collection method: clinical testing. Allele origin: germline. Affected: yes.
Comment: The I635S variant in the WDR35 gene gene has not been reported previously as a pathogenic variant, nor as a benign variant, to our knowledge. The I635S variant is observed in 8/9692 (0.08%) alleles from individuals of South Asian background, in large population cohorts (Lek et al., 2016; 1000 Genomes Consortium et al., 2015; Exome Variant Server). The I635S variant is a non-conservative amino acid substitution, which is likely to impact secondary protein structure as these residues differ in polarity, charge, size and/or other properties. This substitution occurs at a position that is conserved across species. In silico analysis predicts this variant is probably damaging to the protein structure/function. We interpret I635S as a variant of uncertain significance.